The following is an entry in ClinVar:

ClinVar aggregate classification (germline): Likely benign. Review status: criteria provided, multiple submitters, no conflicts (2 of 4 stars). 5 submissions from 5 submitters: Likely benign (5). Last evaluated 2025-12-22.

Conditions:
Inborn genetic diseases. Identifiers: MedGen C0950123, MeSH D030342.
Intellectual developmental disorder, autosomal dominant 38. Also called: PSYCHOMOTOR RETARDATION, EPILEPSY, AND LANGUAGE DISABILITY SYNDROME; Intellectual disability, autosomal dominant 38. Identifiers: MedGen C4225343, MONDO:0014617, OMIM 616393.
Developmental and epileptic encephalopathy, 33 (DEE33). Also called: Epileptic encephalopathy, early infantile, 33. Identifiers: Orphanet 442835, MedGen C4225337, MONDO:0014625, OMIM 616409.

Allele frequency attached by ClinVar (database versions not stated): ExAC 0.00007; gnomAD exomes 0.00005 and 0.00011; TOPMed 0.00007; gnomAD 0.00008; ESP Exome Variant Server 0.00015.
gnomAD v4.1: 180 of 1,612,844 alleles (0.011%); highest among the groups gnomAD compares: Non-Finnish European, 0.014%; no homozygotes.

Submissions (5):

Labcorp Genetics (formerly Invitae), Labcorp
Classification: Likely benign for Developmental and epileptic encephalopathy, 33. Last evaluated: 2025-12-22. Review status: criteria provided, single submitter. Criteria: Invitae Variant Classification Sherloc (09022015). Collection method: clinical testing. Allele origin: germline.

CeGaT Center for Human Genetics Tuebingen
Classification: Likely benign. Last evaluated: 2021-12-01. Review status: criteria provided, single submitter. Criteria: CeGaT Center For Human Genetics Tuebingen Variant Classification Criteria Version 2. Collection method: clinical testing. Allele origin: germline. Affected: yes. Observed: 1 variant allele.

Ambry Genetics
Classification: Likely benign for Inborn genetic diseases. Last evaluated: 2017-12-18. Review status: criteria provided, single submitter. Criteria: Ambry Variant Classification Scheme 2023. Collection method: clinical testing. Allele origin: germline.

GeneDx
Classification: Likely benign. Last evaluated: 2016-05-19. Review status: criteria provided, single submitter. Criteria: GeneDx Variant Classification (06012015). Collection method: clinical testing. Allele origin: germline. Affected: yes.
Comment: This variant is considered likely benign or benign based on one or more of the following criteria: it is a conservative change, it occurs at a poorly conserved position in the protein, it is predicted to be benign by multiple in silico algorithms, and/or has population frequency not consistent with disease.

Center for Genomics, Ann and Robert H. Lurie Children's Hospital of Chicago
Classification: Likely benign for Developmental and epileptic encephalopathy, 33; Intellectual developmental disorder, autosomal dominant 38. Review status: criteria provided, single submitter. Criteria: ACMG Guidelines, 2015. Collection method: clinical testing. Allele origin: germline.
Comment: This variant has not been reported in the literature but is present in the Genome Aggregation Database (Highest reported MAF 0.01% [8/68038]). This variant is present in ClinVar, with several labs classifying this variant as Likely Benign (Variation ID: 386473). Evolutionary conservation and computational prediction tools for this variant are limited or unavailable. Of note, this is a silent variant and does not change the amino acid, reducing the probability that this variant is disease-causing. In summary, data on this variant suggests that this variant does not cause disease but requires further evidence. Therefore, this variant is classified as likely benign

NM_001958.5(EEF1A2):c.183C>T (p.Asp61=)

Gene: EEF1A2 (eukaryotic translation elongation factor 1 alpha 2; minus strand). Cytogenetic location: 20q13.33.
Variant type: single nucleotide variant.
Coding change: c.183C>T on transcript NM_001958.5 (MANE Select); coding-DNA position 183, C replaced by T.
Protein change: p.Asp61=; no amino-acid change (aspartic acid 61 retained).
Molecular consequence: synonymous variant.
Genome position (GRCh38, 1-based): chr20:63,495,997, G>A on the plus strand (C>T on the coding strand, the complement: EEF1A2 is on the minus strand). VCF-style: chr20-63495997-G-A. GRCh37 (hg19) VCF-style: chr20-62127350-G-A.
Identifiers: ClinVar variation 386473 (VCV000386473.49), dbSNP rs147929770, ClinGen allele CA9959161.